The following is an entry in ClinVar:

ClinVar aggregate classification (germline): Uncertain significance (1 of 4 stars; one submission).

Conditions:
Hereditary cancer-predisposing syndrome. Also called: Hereditary Cancer Syndrome; Hereditary neoplastic syndrome; Tumor predisposition; Neoplastic Syndromes, Hereditary. Identifiers: Orphanet 140162, MedGen C0027672, MeSH D009386, MONDO:0015356.

Submission:

Ambry Genetics
Classification: Uncertain significance for Hereditary cancer-predisposing syndrome. Last evaluated: 2024-11-08. Review status: criteria provided, single submitter. Criteria: Ambry Variant Classification Scheme 2023. Collection method: clinical testing. Allele origin: germline.
Comment: The c.600A>C variant (also known as p.A200A), located in coding exon 1 of the HOXB13 gene, results from an A to C substitution at nucleotide position 600. This nucleotide substitution does not change the alanine at codon 200. This nucleotide position is well conserved in available vertebrate species. In silico splice site analysis for this alteration is inconclusive. Based on the available evidence, the clinical significance of this variant remains unclear.

NM_006361.6(HOXB13):c.600A>C (p.Ala200=)

Gene: HOXB13 (homeobox B13; minus strand). Cytogenetic location: 17q21.32.
Variant type: single nucleotide variant.
Coding change: c.600A>C on transcript NM_006361.6 (MANE Select); coding-DNA position 600, A replaced by C.
Protein change: p.Ala200=; no amino-acid change (alanine 200 retained).
Molecular consequence: synonymous variant.
Genome position (GRCh38, 1-based): chr17:48,727,994, T>G on the plus strand (A>C on the coding strand, the complement: HOXB13 is on the minus strand). VCF-style: chr17-48727994-T-G. GRCh37 (hg19) VCF-style: chr17-46805356-T-G.
Identifiers: ClinVar variation 3526297 (VCV003526297.1).
Genomic context (GRCh38, chr17:48,727,994, plus strand): 5'-GCCATTGGGACCCACAACCCCAGGCTCAGAGACAAGGGGACCCAGGGTAATAGAGGTACC[T>G]GCAAATGCTGCCTTCCAAAAGGGACCTGGTGGGTTCTGTTCTCCCTGGCAACACATCTGG-3'
Protein context (NP_006352.2, residues 190-210): PPGPFWKAAF[Ala200=]DSSGQHPPDA